The following is an entry in ClinVar:

NM_004700.4(KCNQ4):c.1499G>A (p.Arg500His)

Gene: KCNQ4 (potassium voltage-gated channel subfamily Q member 4; plus strand). Cytogenetic location: 1p34.2.
Variant type: single nucleotide variant.
Coding change: c.1499G>A on transcript NM_004700.4 (MANE Select); coding-DNA position 1499, G replaced by A.
Protein change: p.Arg500His; replaces arginine 500 with histidine.
Molecular consequence: missense variant.
Genome position (GRCh38, 1-based): chr1:40,831,290, G>A. VCF-style: chr1-40831290-G-A. GRCh37 (hg19) VCF-style: chr1-41296962-G-A.
Other names: c.1337G>A, p.Arg446His (NM_172163.3); short protein forms R446H, R500H.
Identifiers: ClinVar variation 1304466 (VCV001304466.7), dbSNP rs201025485, ClinGen allele CA794895.
Genomic context (GRCh38, chr1:40,831,290, plus strand): 5'-AAAAGAGCTGGAGCTTCAATGACCGCACCCGCTTCCGGGCATCTCTGAGACTCAAACCCC[G>A]CACCTCTGCTGAGGGTAAGCCCCCGGGGGGCTGAGTCCGATCGAGGGCCGGCTGAGGGTG-3'
Protein context (NP_004691.2, residues 490-510): RFRASLRLKP[Arg500His]TSAEDAPSEE

ClinVar aggregate classification (germline): Uncertain significance. Review status: criteria provided, multiple submitters, no conflicts (2 of 4 stars). 4 submissions from 4 submitters: Uncertain significance (3). 1 of the submissions does not count toward it. Last evaluated 2025-09-30.

Conditions:
KCNQ4-related disorder. Also called: KCNQ4-related condition.
Autosomal dominant nonsyndromic hearing loss 2A. Also called: DFNA2 Nonsyndromic Hearing Loss; Autosomal dominant nonsyndromic deafness 2A; Deafness, autosomal dominant 2A. Identifiers: Orphanet 90635, MedGen C2677637, MONDO:0010817, OMIM 600101.
Inborn genetic diseases. Identifiers: MedGen C0950123, MeSH D030342.

Allele frequency attached by ClinVar (database versions not stated): gnomAD 0.00005 and 0.00006; TOPMed 0.00005; gnomAD exomes 0.00006; ExAC 0.00013; 1000 Genomes Project 0.00020; 1000 Genomes Project 30x 0.00031.
gnomAD v4.1: 77 of 1,600,054 alleles (0.0048%); highest among the groups gnomAD compares: East Asian, 0.02%; no homozygotes.

Submissions (4):

GeneDx
Classification: Uncertain significance. Last evaluated: 2025-09-30. Review status: criteria provided, single submitter. Criteria: GeneDx Variant Classification Process June 2021. Collection method: clinical testing. Allele origin: germline. Affected: yes.
Comment: In silico analysis supports that this missense variant has a deleterious effect on protein structure/function; Has not been previously published as pathogenic or benign to our knowledge

Genome-Nilou Lab
Classification: Uncertain significance for Autosomal dominant nonsyndromic hearing loss 2A. Last evaluated: 2023-04-11. Review status: criteria provided, single submitter. Criteria: ACMG Guidelines, 2015. Collection method: clinical testing. Allele origin: germline. Affected: no.

Ambry Genetics
Classification: Uncertain significance for Inborn genetic diseases. Last evaluated: 2021-07-15. Review status: criteria provided, single submitter. Criteria: Ambry Variant Classification Scheme 2023. Collection method: clinical testing. Allele origin: germline.

PreventionGenetics, part of Exact Sciences
Classification: Uncertain significance for KCNQ4-related condition. Last evaluated: 2024-08-26. Review status: no assertion criteria provided. Collection method: clinical testing. Allele origin: germline. Not counted in ClinVar's aggregate classification.
Comment: The KCNQ4 c.1499G>A variant is predicted to result in the amino acid substitution p.Arg500His. To our knowledge, this variant has not been reported in the literature. This variant is reported in 0.036% of alleles in individuals of East Asian descent in gnomAD. At this time, the clinical significance of this variant is uncertain due to the absence of conclusive functional and genetic evidence.